The following is an entry in ClinVar:

ClinVar aggregate classification (germline): Uncertain significance. Review status: criteria provided, multiple submitters, no conflicts (2 of 4 stars). 2 submissions from 2 submitters: Uncertain significance (2). Last evaluated 2025-10-03.

Conditions:
Multiple endocrine neoplasia, type 2 (MEN2). Identifiers: Orphanet 653, MedGen C4048306, MONDO:0019003. Disease mechanism: gain of function.
Hereditary cancer-predisposing syndrome. Also called: Neoplastic Syndromes, Hereditary; Hereditary Cancer Syndrome; Tumor predisposition; Hereditary neoplastic syndrome. Identifiers: Orphanet 140162, MedGen C0027672, MeSH D009386, MONDO:0015356.

Submissions (2):

Color Diagnostics, LLC DBA Color Health
Classification: Uncertain significance for Multiple endocrine neoplasia, type 2. Last evaluated: 2025-10-03. Review status: criteria provided, single submitter. Criteria: ACMG Guidelines, 2015. Collection method: clinical testing. Allele origin: germline.
Comment: This missense variant replaces valine with alanine at codon 395 of the RET protein. Computational prediction is inconclusive regarding the impact of this variant on protein structure and function. To our knowledge, functional studies have not been reported for this variant. This variant has not been reported in individuals affected with RET-related disorders in the literature. This variant has not been identified in the general population by the Genome Aggregation Database (gnomAD). The available evidence is insufficient to determine the role of this variant in disease conclusively. Therefore, this variant is classified as a Variant of Uncertain Significance.

Ambry Genetics
Classification: Uncertain significance for Hereditary cancer-predisposing syndrome. Last evaluated: 2025-03-05. Review status: criteria provided, single submitter. Criteria: Ambry Variant Classification Scheme 2023. Collection method: clinical testing. Allele origin: germline.
Comment: The p.V395A variant (also known as c.1184T>C), located in coding exon 6 of the RET gene, results from a T to C substitution at nucleotide position 1184. The valine at codon 395 is replaced by alanine, an amino acid with similar properties. This amino acid position is conserved. In addition, the in silico prediction for this alteration is inconclusive. Based on the available evidence, the clinical significance of this variant remains unclear.

NM_020975.6(RET):c.1184T>C (p.Val395Ala)

Gene: RET (ret proto-oncogene; plus strand). Cytogenetic location: 10q11.21.
Variant type: single nucleotide variant.
Coding change: c.1184T>C on transcript NM_020975.6 (MANE Select); coding-DNA position 1184, T replaced by C.
Protein change: p.Val395Ala; replaces valine 395 with alanine.
Molecular consequence: missense variant. On other transcripts: intron variant (18).
Genome position (GRCh38, 1-based): chr10:43,109,151, T>C. VCF-style: chr10-43109151-T-C. GRCh37 (hg19) VCF-style: chr10-43604599-T-C.
Other names: c.458T>C, p.Val153Ala (NM_001406775.1, NM_001406776.1, NM_001406777.1 and 1 more transcripts); c.194T>C, p.Val65Ala (NM_001406784.1); c.1184T>C, p.Val395Ala (NM_020630.7, NM_001406743.1, NM_001406744.1 and 4 more transcripts); c.868-2056T>C (NM_001406772.1, NM_001406769.1); c.626-2948T>C (NM_001406782.1, NM_001406780.1, NM_001406779.1 and 3 more transcripts); c.739-2056T>C (NM_001406774.1); c.497-2948T>C (NM_001406786.1, NM_001406783.1); c.338-2948T>C (NM_001406790.1, NM_001406788.1, NM_001406789.1 and 1 more transcripts); and 5 more; short protein forms V395A, V249A, V141A, V299A, V352A, V65A, V153A.
Identifiers: ClinVar variation 3788350 (VCV003788350.2).